The following is an entry in ClinVar:

NM_001080414.4(CCDC88C):c.5933C>A (p.Pro1978Gln)

Gene: CCDC88C (coiled-coil and HOOK domain protein 88C; minus strand). Cytogenetic location: 14q32.11.
Variant type: single nucleotide variant.
Coding change: c.5933C>A on transcript NM_001080414.4 (MANE Select); coding-DNA position 5933, C replaced by A.
Protein change: p.Pro1978Gln; replaces proline 1978 with glutamine.
Molecular consequence: missense variant. On other transcripts: non-coding transcript variant (2).
Genome position (GRCh38, 1-based): chr14:91,272,779, G>T on the plus strand (C>A on the coding strand, the complement: CCDC88C is on the minus strand). VCF-style: chr14-91272779-G-T. GRCh37 (hg19) VCF-style: chr14-91739123-G-T.
Other names: short protein forms P1978Q.
Identifiers: ClinVar variation 4887722 (VCV004887722.1).

ClinVar aggregate classification (germline): Uncertain significance (1 of 4 stars; one submission).

gnomAD v4.1: 2 of 1,605,942 alleles (0.00012%); highest among the groups gnomAD compares: Non-Finnish European, 0.00017%; no homozygotes.

Submission:

Women's Health and Genetics/Laboratory Corporation of America, LabCorp
Classification: Uncertain significance. Last evaluated: 2026-06-30. Review status: criteria provided, single submitter. Criteria: LabCorp Variant Classification Summary - May 2015. Collection method: clinical testing. Allele origin: germline.
Comment: Variant summary: CCDC88C c.5933C>A (p.Pro1978Gln) results in a non-conservative amino acid change in the encoded protein sequence. Algorithms developed to predict the effect of missense changes on protein structure and function are either unavailable or do not agree on the potential impact of this missense change. The variant allele was found at a frequency of 4.2e-06 in 237148 control chromosomes. The available data on variant occurrences in the general population are insufficient to allow any conclusion about variant significance. To our knowledge, no occurrence of c.5933C>A in individuals affected with CCDC88C-related conditions and no experimental evidence demonstrating its impact on protein function have been reported. No submitters have cited clinical-significance assessments for this variant to ClinVar. Based on the evidence outlined above, the variant was classified as uncertain significance.